The following is an entry in ClinVar:

NM_014244.5(ADAMTS2):c.2797A>G (p.Thr933Ala)

Gene: ADAMTS2 (ADAM metallopeptidase with thrombospondin type 1 motif 2; minus strand). Cytogenetic location: 5q35.3.
Variant type: single nucleotide variant.
Coding change: c.2797A>G on transcript NM_014244.5 (MANE Select); coding-DNA position 2797, A replaced by G.
Protein change: p.Thr933Ala; replaces threonine 933 with alanine.
Molecular consequence: missense variant.
Genome position (GRCh38, 1-based): chr5:179,125,134, T>C on the plus strand (A>G on the coding strand, the complement: ADAMTS2 is on the minus strand). VCF-style: chr5-179125134-T-C. GRCh37 (hg19) VCF-style: chr5-178552135-T-C.
Other names: p.Thr933Ala; short protein forms T933A.
Identifiers: ClinVar variation 353098 (VCV000353098.9), dbSNP rs886060492, ClinGen allele CA10621514.

ClinVar aggregate classification (germline): Uncertain significance. Review status: criteria provided, multiple submitters, no conflicts (2 of 4 stars). 3 submissions from 3 submitters: Uncertain significance (3). Last evaluated 2024-09-04.

Conditions:
Ehlers-Danlos syndrome, dermatosparaxis type. Also called: EDS VIIC; Dermatosparaxis; Ehlers-Danlos syndrome, type VII, autosomal recessive. Identifiers: Orphanet 1901, MedGen C2700425, MONDO:0009161, OMIM 225410.
Ehlers-Danlos syndrome (EDS). Identifiers: Orphanet 98249, MedGen C0013720, MONDO:0020066.

Allele frequency attached by ClinVar (database versions not stated): gnomAD exomes 0.00001.
gnomAD v4.1: 9 of 1,613,012 alleles (0.00056%); highest among the groups gnomAD compares: Non-Finnish European, 0.00076%; no homozygotes.

Submissions (3):

Mayo Clinic Laboratories, Mayo Clinic
Classification: Uncertain significance. Last evaluated: 2024-09-04. Review status: criteria provided, single submitter. Criteria: ACMG Guidelines, 2015. Collection method: clinical testing. Allele origin: germline. Observed: 1 variant allele.
Comment: BP4, PM2

Genome Diagnostics Laboratory, The Hospital for Sick Children
Classification: Uncertain significance for Ehlers-Danlos syndrome. Last evaluated: 2021-11-05. Review status: criteria provided, single submitter. Criteria: ACMG Guidelines, 2015. Collection method: clinical testing. Allele origin: germline.

Illumina Laboratory Services, Illumina
Classification: Uncertain significance for Ehlers-Danlos syndrome, dermatosparaxis type. Last evaluated: 2018-01-13. Review status: criteria provided, single submitter. Criteria: ICSL Variant Classification Criteria 13 December 2019. Collection method: clinical testing. Allele origin: germline.